The following is an entry in ClinVar:

NM_032444.4(SLX4):c.2290C>G (p.Pro764Ala)

Gene: SLX4 (SLX4 structure-specific endonuclease subunit; minus strand). Cytogenetic location: 16p13.3.
Variant type: single nucleotide variant.
Coding change: c.2290C>G on transcript NM_032444.4 (MANE Select); coding-DNA position 2290, C replaced by G.
Protein change: p.Pro764Ala; replaces proline 764 with alanine.
Molecular consequence: missense variant.
Genome position (GRCh38, 1-based): chr16:3,592,736, G>C on the plus strand (C>G on the coding strand, the complement: SLX4 is on the minus strand). VCF-style: chr16-3592736-G-C. GRCh37 (hg19) VCF-style: chr16-3642737-G-C.
Other names: c.2290C>G (LRG_503t1); short protein forms P764A.
Identifiers: ClinVar variation 456299 (VCV000456299.31), dbSNP rs151105762, ClinGen allele CA7866207.

ClinVar aggregate classification (germline): Conflicting classifications of pathogenicity. Review status: criteria provided, conflicting classifications (1 of 4 stars). 9 submissions from 9 submitters: Uncertain significance (2); Benign (2); Likely benign (4). 1 of the submissions does not count toward it. Last evaluated 2026-01-31.

Conditions:
Fanconi anemia complementation group P. Also called: SLX4-Related Fanconi Anemia. Identifiers: Orphanet 84, MedGen C3469542, MONDO:0013499, OMIM 613951.
Fanconi anemia (FA). Also called: Fanconi's anemia. Identifiers: Orphanet 84, MedGen C0015625, MeSH D005199, MONDO:0019391.
SLX4-related disorder. Also called: SLX4-related condition.

Allele frequency attached by ClinVar (database versions not stated): gnomAD exomes 0.00020 and 0.00052; ExAC 0.00073; 1000 Genomes Project 0.00200; gnomAD 0.00204 and 0.00218; ESP Exome Variant Server 0.00208; TOPMed 0.00214; 1000 Genomes Project 30x 0.00219.
gnomAD v4.1: 603 of 1,613,442 alleles (0.037%); highest among the groups gnomAD compares: African/African-American, 0.73%; 1 homozygote.

Submissions (9):

Labcorp Genetics (formerly Invitae), Labcorp
Classification: Likely benign for Fanconi anemia. Last evaluated: 2026-01-31. Review status: criteria provided, single submitter. Criteria: Invitae Variant Classification Sherloc (09022015). Collection method: clinical testing. Allele origin: germline.

CeGaT Center for Human Genetics Tuebingen
Classification: Likely benign. Last evaluated: 2025-05-01. Review status: criteria provided, single submitter. Criteria: CeGaT Center For Human Genetics Tuebingen Variant Classification Criteria Version 2. Collection method: clinical testing. Allele origin: germline. Affected: yes. Observed: 1 variant allele.
Comment: SLX4: BP4, BS2

KCCC/NGS Laboratory, Kuwait Cancer Control Center
Classification: Benign for Fanconi anemia complementation group P. Last evaluated: 2025-02-01. Review status: criteria provided, single submitter. Criteria: ACMG Guidelines, 2015. Collection method: clinical testing. Allele origin: germline. Affected: no.

Blueprint Genetics
Classification: Uncertain significance. Last evaluated: 2024-08-06. Review status: criteria provided, single submitter. Criteria: ACMG Guidelines, 2015. Collection method: clinical testing. Allele origin: germline.

GeneDx
Classification: Uncertain significance. Last evaluated: 2022-09-26. Review status: criteria provided, single submitter. Criteria: GeneDx Variant Classification Process June 2021. Collection method: clinical testing. Allele origin: germline. Affected: yes.
Comment: In silico analysis supports that this missense variant does not alter protein structure/function; Identified in a patient with oropharyngeal cancer who did not have features of Fanconi anemia (PMID: 28678401); This variant is associated with the following publications: (PMID: 28678401)

Genetic Services Laboratory, University of Chicago
Classification: Benign. Last evaluated: 2021-02-15. Review status: criteria provided, single submitter. Criteria: ACMG Guidelines, 2015. Collection method: clinical testing. Allele origin: germline. Affected: no.

Sema4
Classification: Likely benign for Fanconi anemia. Last evaluated: 2020-10-09. Review status: criteria provided, single submitter. Criteria: Sema4 Curation Guidelines. Collection method: curation. Allele origin: germline.

Breakthrough Genomics
Classification: Likely benign. Review status: criteria provided, single submitter. Criteria: ACMG Guidelines, 2015. Collection method: not provided. Allele origin: germline. Inheritance: Autosomal recessive inheritance. Affected: yes.

PreventionGenetics, part of Exact Sciences
Classification: Likely benign for SLX4-related condition. Last evaluated: 2019-10-14. Review status: no assertion criteria provided. Collection method: clinical testing. Allele origin: germline. Not counted in ClinVar's aggregate classification.
Comment: This variant is classified as likely benign based on ACMG/AMP sequence variant interpretation guidelines (Richards et al. 2015 PMID: 25741868, with internal and published modifications).

Literature cited by the submitters: PubMed 28678401 (cited by Sema4).